The following is an entry in ClinVar:

ClinVar aggregate classification (germline): Likely pathogenic. Review status: criteria provided, single submitter (1 of 4 stars). 2 submissions from 2 submitters: Likely pathogenic (1). 1 of the submissions does not count toward it. Last evaluated 2015-07-20.

Conditions:
Acute infantile liver failure due to synthesis defect of mtDNA-encoded proteins. Also called: Liver failure acute infantile; TRMU Deficiency; LIVER FAILURE, INFANTILE, TRANSIENT. Identifiers: Orphanet 217371, MedGen C3278664, MONDO:0013111, OMIM 613070.

Allele frequency attached by ClinVar (database versions not stated): gnomAD exomes below 0.00001.
gnomAD v4.1: 1 of 1,614,180 alleles (0.000062%); highest among the groups gnomAD compares: Non-Finnish European, 0.000085%; no homozygotes.

Submissions (2):

GeneDx
Classification: Likely pathogenic. Last evaluated: 2015-07-20. Review status: criteria provided, single submitter. Criteria: GeneDx Variant Classification (06012015). Collection method: clinical testing. Allele origin: germline. Affected: yes.
Comment: The S72F variant has not been published as a pathogenic variant, nor has it been reported as a benign polymorphism to our knowledge. The S72F variant is a non-conservative amino acid substitution, which is likely to impact secondary protein structure as these residues differ in polarity, charge, size and/or other properties. This substitution occurs at a position that is conserved in mammals. In silico analysis predicts this variant is probably damaging to the protein structure/function. A missense variant in a nearby residue (Y77H) has been reported in the Human Gene Mutation Database in association with an increased risk for infantile liver disease (Stenson et al., 2014), supporting the functional importance of this region of the protein. Therefore, the S72F variant is a strong candidate for a pathogenic variant, however the possibility that it is a benign variant cannot be excluded.

Natera, Inc.
Classification: Uncertain significance for Acute infantile liver failure due to synthesis defect of mtDNA-encoded proteins. Last evaluated: 2025-05-08. Review status: no assertion criteria provided. Collection method: clinical testing. Allele origin: germline. Not counted in ClinVar's aggregate classification.

NM_018006.5(TRMU):c.215C>T (p.Ser72Phe)

Gene: TRMU (tRNA mitochondrial 2-thiouridylase; plus strand). Cytogenetic location: 22q13.31.
Variant type: single nucleotide variant.
Coding change: c.215C>T on transcript NM_018006.5 (MANE Select); coding-DNA position 215, C replaced by T.
Protein change: p.Ser72Phe; replaces serine 72 with phenylalanine.
Molecular consequence: missense variant. On other transcripts: 5 prime UTR variant (3), non-coding transcript variant (2).
Genome position (GRCh38, 1-based): chr22:46,337,911, C>T. VCF-style: chr22-46337911-C-T. GRCh37 (hg19) VCF-style: chr22-46733808-C-T.
Other names: c.-21C>T (NM_001282782.2); c.-40C>T (NM_001282783.2, NM_001282784.2); c.215C>T, p.Ser72Phe (NM_001282785.2); short protein forms S72F.
Identifiers: ClinVar variation 427055 (VCV000427055.3), dbSNP rs1085307928, ClinGen allele CA411940441.